The following is an entry in ClinVar:

NM_004168.4(SDHA):c.539T>C (p.Phe180Ser)

Gene: SDHA (succinate dehydrogenase complex flavoprotein subunit A; plus strand). Cytogenetic location: 5p15.33.
Variant type: single nucleotide variant.
Coding change: c.539T>C on transcript NM_004168.4 (MANE Select); coding-DNA position 539, T replaced by C.
Protein change: p.Phe180Ser; replaces phenylalanine 180 with serine.
Molecular consequence: missense variant.
Genome position (GRCh38, 1-based): chr5:225,965, T>C. VCF-style: chr5-225965-T-C. GRCh37 (hg19) VCF-style: chr5-226080-T-C.
Other names: c.395T>C, p.Phe132Ser (NM_001294332.2); c.539T>C, p.Phe180Ser (NM_001330758.2); short protein forms F180S, F132S.
Identifiers: ClinVar variation 2922156 (VCV002922156.3), dbSNP rs2126549832, ClinGen allele CA359010303.

ClinVar aggregate classification (germline): Uncertain significance (1 of 4 stars; one submission).

Conditions:
Mitochondrial complex II deficiency, nuclear type 1. Also called: SUCCINATE CoQ REDUCTASE DEFICIENCY. Identifiers: Orphanet 3208, MedGen C5700310, MONDO:0100294, OMIM 252011.
Pheochromocytoma/paraganglioma syndrome 5. Also called: Paragangliomas 5; SDHA-Related Hereditary Paraganglioma-Pheochromocytoma Syndrome. Identifiers: Orphanet 29072, MedGen C3279992, MONDO:0013602, OMIM 614165.

Submission:

Labcorp Genetics (formerly Invitae), Labcorp
Classification: Uncertain significance for Pheochromocytoma/paraganglioma syndrome 5; Mitochondrial complex II deficiency, nuclear type 1. Last evaluated: 2023-02-14. Review status: criteria provided, single submitter. Criteria: Invitae Variant Classification Sherloc (09022015). Collection method: clinical testing. Allele origin: germline.
Comment: This sequence change replaces phenylalanine, which is neutral and non-polar, with serine, which is neutral and polar, at codon 180 of the SDHA protein (p.Phe180Ser). This variant is not present in population databases (gnomAD no frequency). In summary, the available evidence is currently insufficient to determine the role of this variant in disease. Therefore, it has been classified as a Variant of Uncertain Significance. Algorithms developed to predict the effect of missense changes on protein structure and function (SIFT, PolyPhen-2, Align-GVGD) all suggest that this variant is likely to be disruptive. This variant has not been reported in the literature in individuals affected with SDHA-related conditions.